The following is an entry in ClinVar:

NM_005228.5(EGFR):c.540C>G (p.Phe180Leu)

Gene: EGFR (epidermal growth factor receptor; plus strand). Cytogenetic location: 7p11.2.
Variant type: single nucleotide variant.
Coding change: c.540C>G on transcript NM_005228.5 (MANE Select); coding-DNA position 540, C replaced by G.
Protein change: p.Phe180Leu; replaces phenylalanine 180 with leucine.
Molecular consequence: missense variant. On other transcripts: intron variant (3).
Genome position (GRCh38, 1-based): chr7:55,146,721, C>G. VCF-style: chr7-55146721-C-G. GRCh37 (hg19) VCF-style: chr7-55214414-C-G.
Other names: c.540C>G, p.Phe180Leu (NM_001346898.2, NM_201282.2, NM_201283.2 and 1 more transcripts); c.381C>G, p.Phe127Leu (NM_001346900.2); c.424+3233C>G (NM_001346899.2, NM_001346897.2); c.89-9109C>G (NM_001346941.2); short protein forms F127L, F180L.
Identifiers: ClinVar variation 4639264 (VCV004639264.1).
Genomic context (GRCh38, chr7:55,146,721, plus strand): 5'-GAGCATCCAGTGGCGGGACATAGTCAGCAGTGACTTTCTCAGCAACATGTCGATGGACTT[C>G]CAGAACCACCTGGGCAGCTGTAAGTGTCGCATACACACTATCTCTGCCTCCAGCTCCTAT-3'
Protein context (NP_005219.2, residues 170-190): SDFLSNMSMD[Phe180Leu]QNHLGSCQKC

ClinVar aggregate classification (germline): Uncertain significance (1 of 4 stars; one submission).

Conditions:
Hereditary cancer-predisposing syndrome. Also called: Neoplastic Syndromes, Hereditary; Tumor predisposition; Hereditary Cancer Syndrome; Hereditary neoplastic syndrome. Identifiers: Orphanet 140162, MedGen C0027672, MeSH D009386, MONDO:0015356.

Submission:

Ambry Genetics
Classification: Uncertain significance for Hereditary cancer-predisposing syndrome. Last evaluated: 2025-10-28. Review status: criteria provided, single submitter. Criteria: Ambry Variant Classification Scheme 2023. Collection method: clinical testing. Allele origin: germline.
Comment: The p.F180L variant (also known as c.540C>G), located in coding exon 4 of the EGFR gene, results from a C to G substitution at nucleotide position 540. The phenylalanine at codon 180 is replaced by leucine, an amino acid with highly similar properties. This amino acid position is conserved. In addition, this alteration is predicted to be tolerated by in silico analysis. Based on the available evidence, the clinical significance of this variant remains unclear.